The following is an entry in ClinVar:

NM_206933.4(USH2A):c.15373C>G (p.Arg5125Gly)

Gene: USH2A (usherin; minus strand). Cytogenetic location: 1q41.
Variant type: single nucleotide variant.
Coding change: c.15373C>G on transcript NM_206933.4 (MANE Select); coding-DNA position 15373, C replaced by G.
Protein change: p.Arg5125Gly; replaces arginine 5125 with glycine.
Molecular consequence: missense variant.
Genome position (GRCh38, 1-based): chr1:215,628,960, G>C on the plus strand (C>G on the coding strand, the complement: USH2A is on the minus strand). VCF-style: chr1-215628960-G-C. GRCh37 (hg19) VCF-style: chr1-215802302-G-C.
Other names: short protein forms R5125G.
Identifiers: ClinVar variation 1481359 (VCV001481359.6), dbSNP rs771243585, ClinGen allele CA344821169.
Genomic context (GRCh38, chr1:215,628,960, plus strand): 5'-CGCTGCGGTGAAGAGAACCCTGGGAGTAGGTTAGGCTGGTTTGGTTTTGACTCGGGATGC[G>C]CAGGACACATGCACTCCGGTTGCTGCGGATACTCACAGGTGTCCCAGACCGGGGAATTTT-3'
Protein context (NP_996816.3, residues 5115-5135): IRSNRSACVL[Arg5125Gly]IPSQNQTSLT

ClinVar aggregate classification (germline): Uncertain significance (1 of 4 stars; one submission).

Submission:

Labcorp Genetics (formerly Invitae), Labcorp
Classification: Uncertain significance. Last evaluated: 2021-09-19. Review status: criteria provided, single submitter. Criteria: Invitae Variant Classification Sherloc (09022015). Collection method: clinical testing. Allele origin: germline.
Comment: In summary, the available evidence is currently insufficient to determine the role of this variant in disease. Therefore, it has been classified as a Variant of Uncertain Significance. Algorithms developed to predict the effect of missense changes on protein structure and function are either unavailable or do not agree on the potential impact of this missense change (SIFT: "Deleterious"; PolyPhen-2: "Benign"; Align-GVGD: "Class C0"). This variant has not been reported in the literature in individuals affected with USH2A-related conditions. This variant is not present in population databases (ExAC no frequency). This sequence change replaces arginine with glycine at codon 5125 of the USH2A protein (p.Arg5125Gly). The arginine residue is highly conserved and there is a moderate physicochemical difference between arginine and glycine.